The following is an entry in ClinVar:

NM_004793.4(LONP1):c.2121C>T (p.Ser707=)

Gene: LONP1 (lon peptidase 1, mitochondrial; minus strand). Cytogenetic location: 19p13.3.
Variant type: single nucleotide variant.
Coding change: c.2121C>T on transcript NM_004793.4 (MANE Select); coding-DNA position 2121, C replaced by T.
Protein change: p.Ser707=; no amino-acid change (serine 707 retained).
Molecular consequence: synonymous variant. On other transcripts: non-coding transcript variant (1).
Genome position (GRCh38, 1-based): chr19:5,694,794, G>A on the plus strand (C>T on the coding strand, the complement: LONP1 is on the minus strand). VCF-style: chr19-5694794-G-A. GRCh37 (hg19) VCF-style: chr19-5694805-G-A.
Other names: c.2121C>T (NM_004793.3); c.1929C>T, p.Ser643= (NM_001276479.2); c.1533C>T, p.Ser511= (NM_001276480.1).
Identifiers: ClinVar variation 2200864 (VCV002200864.6), dbSNP rs376954188, ClinGen allele CA9114286.

ClinVar aggregate classification (germline): Likely benign. Review status: criteria provided, single submitter (1 of 4 stars). 2 submissions from 2 submitters: Likely benign (1). 1 of the submissions does not count toward it. Last evaluated 2024-05-02.

Conditions:
LONP1-related disorder. Also called: LONP1-related disorders; LONP1-related condition.

Allele frequency attached by ClinVar (database versions not stated): ExAC 0.00004; gnomAD 0.00005; ESP Exome Variant Server 0.00008; gnomAD exomes 0.00002; TOPMed 0.00003.
gnomAD v4.1: 44 of 1,594,148 alleles (0.0028%); highest among the groups gnomAD compares: East Asian, 0.018%; no homozygotes.

Submissions (2):

Labcorp Genetics (formerly Invitae), Labcorp
Classification: Likely benign. Last evaluated: 2024-05-02. Review status: criteria provided, single submitter. Criteria: Invitae Variant Classification Sherloc (09022015). Collection method: clinical testing. Allele origin: germline.

PreventionGenetics, part of Exact Sciences
Classification: Likely benign for LONP1-related condition. Last evaluated: 2019-07-13. Review status: no assertion criteria provided. Collection method: clinical testing. Allele origin: germline. Not counted in ClinVar's aggregate classification.
Comment: This variant is classified as likely benign based on ACMG/AMP sequence variant interpretation guidelines (Richards et al. 2015 PMID: 25741868, with internal and published modifications).